The following is an entry in ClinVar:

NM_015910.7(WDPCP):c.440A>G (p.Glu147Gly)

Gene: WDPCP (WD repeat containing planar cell polarity effector; minus strand). Cytogenetic location: 2p15.
Variant type: single nucleotide variant.
Coding change: c.440A>G on transcript NM_015910.7 (MANE Select); coding-DNA position 440, A replaced by G.
Protein change: p.Glu147Gly; replaces glutamic acid 147 with glycine.
Molecular consequence: missense variant. On other transcripts: non-coding transcript variant (2).
Genome position (GRCh38, 1-based): chr2:63,439,816, T>C on the plus strand (A>G on the coding strand, the complement: WDPCP is on the minus strand). VCF-style: chr2-63439816-T-C. GRCh37 (hg19) VCF-style: chr2-63666950-T-C.
Other names: c.368A>G, p.Glu123Gly (NM_001354044.2); c.440A>G, p.Glu147Gly (NM_001354045.2); short protein forms E147G, E123G.
Identifiers: ClinVar variation 2091826 (VCV002091826.4), dbSNP rs2467012362, ClinGen allele CA347064114.

ClinVar aggregate classification (germline): Uncertain significance (1 of 4 stars; one submission).

Conditions:
Bardet-Biedl syndrome (BBS). Identifiers: Orphanet 110, MedGen C0752166, MONDO:0015229.

Submission:

Labcorp Genetics (formerly Invitae), Labcorp
Classification: Uncertain significance for Bardet-Biedl syndrome. Last evaluated: 2024-01-02. Review status: criteria provided, single submitter. Criteria: Invitae Variant Classification Sherloc (09022015). Collection method: clinical testing. Allele origin: germline.
Comment: This sequence change replaces glutamic acid, which is acidic and polar, with glycine, which is neutral and non-polar, at codon 147 of the WDPCP protein (p.Glu147Gly). This variant is not present in population databases (gnomAD no frequency). This variant has not been reported in the literature in individuals affected with WDPCP-related conditions. ClinVar contains an entry for this variant (Variation ID: 2091826). Advanced modeling of protein sequence and biophysical properties (such as structural, functional, and spatial information, amino acid conservation, physicochemical variation, residue mobility, and thermodynamic stability) has been performed at Invitae for this missense variant, however the output from this modeling did not meet the statistical confidence thresholds required to predict the impact of this variant on WDPCP protein function. In summary, the available evidence is currently insufficient to determine the role of this variant in disease. Therefore, it has been classified as a Variant of Uncertain Significance.